The following is an entry in ClinVar:

NM_000368.5(TSC1):c.2640G>A (p.Met880Ile)

Gene: TSC1 (TSC complex subunit 1; minus strand). Cytogenetic location: 9q34.13.
Variant type: single nucleotide variant.
Coding change: c.2640G>A on transcript NM_000368.5 (MANE Select); coding-DNA position 2640, G replaced by A.
Protein change: p.Met880Ile; replaces methionine 880 with isoleucine.
Molecular consequence: missense variant.
Genome position (GRCh38, 1-based): chr9:132,897,596, C>T on the plus strand (G>A on the coding strand, the complement: TSC1 is on the minus strand). VCF-style: chr9-132897596-C-T. GRCh37 (hg19) VCF-style: chr9-135772983-C-T.
Other names: c.2637G>A, p.Met879Ile (NM_001162426.2); c.2487G>A, p.Met829Ile (NM_001162427.2); c.2277G>A, p.Met759Ile (NM_001362177.2); short protein forms M829I, M879I, M880I, M759I.
Identifiers: ClinVar variation 852506 (VCV000852506.12), dbSNP rs1218889799, ClinGen allele CA375369673.

ClinVar aggregate classification (germline): Uncertain significance. Review status: criteria provided, multiple submitters, no conflicts (2 of 4 stars). 3 submissions from 3 submitters: Uncertain significance (3). Last evaluated 2025-12-03.

Conditions:
Tuberous sclerosis 1 (TSC1). Identifiers: Orphanet 805, MedGen C1854465, MONDO:0008612, OMIM 191100.
Hereditary cancer-predisposing syndrome. Also called: Neoplastic Syndromes, Hereditary; Hereditary Cancer Syndrome; Hereditary neoplastic syndrome; Tumor predisposition. Identifiers: Orphanet 140162, MedGen C0027672, MeSH D009386, MONDO:0015356.

Allele frequency attached by ClinVar (database versions not stated): gnomAD exomes below 0.00001.
gnomAD v4.1: 3 of 1,131,904 alleles (0.00027%); highest among the groups gnomAD compares: Non-Finnish European, 0.00037%; no homozygotes.

Submissions (3):

Labcorp Genetics (formerly Invitae), Labcorp
Classification: Uncertain significance for Tuberous sclerosis 1. Last evaluated: 2025-12-03. Review status: criteria provided, single submitter. Criteria: Invitae Variant Classification Sherloc (09022015). Collection method: clinical testing. Allele origin: germline.
Comment: This sequence change replaces methionine, which is neutral and non-polar, with isoleucine, which is neutral and non-polar, at codon 880 of the TSC1 protein (p.Met880Ile). This variant is not present in population databases (gnomAD no frequency). This variant has not been reported in the literature in individuals affected with TSC1-related conditions. ClinVar contains an entry for this variant (Variation ID: 852506). Invitae Evidence Modeling of protein sequence and biophysical properties (such as structural, functional, and spatial information, amino acid conservation, physicochemical variation, residue mobility, and thermodynamic stability) indicates that this missense variant is not expected to disrupt TSC1 protein function with a negative predictive value of 95%. In summary, the available evidence is currently insufficient to determine the role of this variant in disease. Therefore, it has been classified as a Variant of Uncertain Significance.

Ambry Genetics
Classification: Uncertain significance for Hereditary cancer-predisposing syndrome. Last evaluated: 2024-06-26. Review status: criteria provided, single submitter. Criteria: Ambry Variant Classification Scheme 2023. Collection method: clinical testing. Allele origin: germline.
Comment: The p.M880I variant (also known as c.2640G>A), located in coding exon 19 of the TSC1 gene, results from a G to A substitution at nucleotide position 2640. The methionine at codon 880 is replaced by isoleucine, an amino acid with highly similar properties. This amino acid position is not well conserved in available vertebrate species. In addition, this alteration is predicted to be tolerated by in silico analysis. Based on the available evidence, the clinical significance of this variant remains unclear.

GeneDx
Classification: Uncertain significance. Last evaluated: 2022-04-11. Review status: criteria provided, single submitter. Criteria: GeneDx Variant Classification Process June 2021. Collection method: clinical testing. Allele origin: germline. Affected: yes.
Comment: Not observed at significant frequency in large population cohorts (gnomAD); In silico analysis supports that this missense variant does not alter protein structure/function; Has not been previously published as pathogenic or benign to our knowledge; This variant is associated with the following publications: (PMID: 18466115)